The following is an entry in ClinVar:

NM_213622.4(STAMBP):c.414C>G (p.Ile138Met)

Gene: STAMBP (STAM binding protein; plus strand). Cytogenetic location: 2p13.1.
Variant type: single nucleotide variant.
Coding change: c.414C>G on transcript NM_213622.4 (MANE Select); coding-DNA position 414, C replaced by G.
Protein change: p.Ile138Met; replaces isoleucine 138 with methionine.
Molecular consequence: missense variant. On other transcripts: non-coding transcript variant (4).
Genome position (GRCh38, 1-based): chr2:73,847,425, C>G. VCF-style: chr2-73847425-C-G. GRCh37 (hg19) VCF-style: chr2-74074552-C-G.
Other names: c.414C>G, p.Ile138Met (NM_001353967.2, NM_001353968.2, NM_001353969.2 and 3 more transcripts); c.9C>G, p.Ile3Met (NM_001353971.2, NM_001353972.2, NM_001353973.2 and 3 more transcripts); c.414C>G (NM_213622.2); short protein forms I138M, I3M.
Identifiers: ClinVar variation 1337743 (VCV001337743.6), dbSNP rs757404623, ClinGen allele CA1717550.

ClinVar aggregate classification (germline): Uncertain significance. Review status: criteria provided, multiple submitters, no conflicts (2 of 4 stars). 2 submissions from 2 submitters: Uncertain significance (2). Last evaluated 2023-07-14.

Conditions:
Inborn genetic diseases. Identifiers: MedGen C0950123, MeSH D030342.

Allele frequency attached by ClinVar (database versions not stated): TOPMed 0.00001.
gnomAD v4.1: 12 of 1,612,684 alleles (0.00074%); highest among the groups gnomAD compares: East Asian, 0.0067%; no homozygotes.

Submissions (2):

Ambry Genetics
Classification: Uncertain significance for Inborn genetic diseases. Last evaluated: 2023-07-14. Review status: criteria provided, single submitter. Criteria: Ambry Variant Classification Scheme 2023. Collection method: clinical testing. Allele origin: germline.

Genetic Services Laboratory, University of Chicago
Classification: Uncertain significance. Last evaluated: 2020-10-12. Review status: criteria provided, single submitter. Criteria: ACMG Guidelines, 2015. Collection method: clinical testing. Allele origin: germline. Affected: no.
Comment: DNA sequence analysis of the STAMBP gene demonstrated a sequence change, c.414C>G, in exon 6 that results in an amino acid change, p.Ile138Met. This sequence change does not appear to have been previously described in individuals with STAMBP-related disorders and has been described in the gnomAD database in two individuals with an overall population frequency of 0.0008% (dbSNP rs757404623). The p.Ile138Met change affects a poorly conserved amino acid residue located in a domain of the STAMBP protein that is not known to be functional. The p.Ile138Met substitution appears to be benign using several in-silico pathogenicity prediction tools (SIFT, PolyPhen2, Align GVGD, REVEL). Due to these contrasting evidences and the lack of functional studies, the clinical significance of the p.Ile138Met change remains unknown at this time.